The following is an entry in ClinVar:

ClinVar aggregate classification (germline): Pathogenic (1 of 4 stars; one submission).

Submission:

GeneDx
Classification: Pathogenic. Last evaluated: 2015-03-09. Review status: criteria provided, single submitter. Criteria: GeneDx Variant Classification (06012015). Collection method: clinical testing. Allele origin: germline. Affected: yes.
Comment: The c.2154delGinsCC variant in the CASR gene causes a frameshift starting with codon Tryptophan 718,changes this amino acid to a Cysteine residue and creates a premature Stop codon at position 42 of the newreading frame, denoted p.Trp718CysfsX42. This variant is predicted to cause loss of normal proteinfunction through protein truncation as the last 361 amino acids are replaced by 41 aberrant amino acids.Although this variant has not been previously reported to our knowledge, we consider it to be pathogenic.

NM_000388.4(CASR):c.2154delinsCC (p.Trp718fs)

Gene: CASR (calcium sensing receptor; plus strand). Cytogenetic location: 3q21.1.
Variant type: Indel.
Coding change: c.2154delinsCC on transcript NM_000388.4 (MANE Select); coding-DNA position 2154, G replaced by CC.
Protein change: p.Trp718fs; shifts the reading frame from tryptophan 718.
Molecular consequence: frameshift variant.
Genome position (GRCh38, 1-based): chr3:122,284,108, G replaced by CC. VCF-style: chr3-122284108-G-CC. GRCh37 (hg19) VCF-style: chr3-122002955-G-CC.
Other names: c.2184delinsCC, p.Trp728fs (NM_001178065.2); short protein forms W718fs, W728fs.
Identifiers: ClinVar variation 418664 (VCV000418664.2), dbSNP rs1064793353, ClinGen allele CA16617818.